The following is an entry in ClinVar:

ClinVar aggregate classification (germline): Pathogenic (1 of 4 stars; one submission).

Conditions:
Curry-Hall syndrome (WAD). Also called: WEYERS ACRODENTAL DYSOSTOSIS. Identifiers: Orphanet 952, MedGen C0457013, MONDO:0008673, OMIM 193530.
Ellis-van Creveld syndrome (EVC). Also called: EVC-Related Ellis-van Creveld Syndrome; EVC2-Related Ellis-van Creveld Syndrome; MESOECTODERMAL DYSPLASIA; Chondroectodermal dysplasia. Identifiers: Orphanet 289, MedGen C0013903, MONDO:0009162, OMIM 225500.

Submission:

Labcorp Genetics (formerly Invitae), Labcorp
Classification: Pathogenic for Curry-Hall syndrome; Ellis-van Creveld syndrome. Last evaluated: 2022-06-13. Review status: criteria provided, single submitter. Criteria: Invitae Variant Classification Sherloc (09022015). Collection method: clinical testing. Allele origin: germline.
Comment: For these reasons, this variant has been classified as Pathogenic. This variant has not been reported in the literature in individuals affected with EVC-related conditions. This variant is not present in population databases (gnomAD no frequency). This sequence change creates a premature translational stop signal (p.Thr840Argfs*3) in the EVC gene. It is expected to result in an absent or disrupted protein product. Loss-of-function variants in EVC are known to be pathogenic (PMID: 23220543).

Literature cited by the submitters: PubMed 23220543.

NM_153717.3(EVC):c.2518_2528del (p.Thr840fs)

Gene: EVC (EvC ciliary complex subunit 1; plus strand). Cytogenetic location: 4p16.2.
Variant type: Deletion.
Coding change: c.2518_2528del on transcript NM_153717.3 (MANE Select); coding-DNA positions 2518 to 2528, 11 bases deleted (ACGGCAGGTGG).
Protein change: p.Thr840fs; shifts the reading frame from threonine 840.
Molecular consequence: frameshift variant.
Genome position (GRCh38, 1-based): chr4:5,804,798-5,804,808, ACGGCAGGTGG deleted; deleting any 11 consecutive bases within chr4:5,804,796-5,804,808 gives the same sequence; the c. name uses the placement nearest the transcript's 3' end. VCF-style (leftmost placement, unchanged base first): chr4-5804795-AGGACGGCAGGT-A. GRCh37 (hg19) VCF-style: chr4-5806522-AGGACGGCAGGT-A.
Other names: c.2518_2528del, p.Thr840fs (NM_001306090.2); short protein forms T840fs.
Identifiers: ClinVar variation 2005982 (VCV002005982.4), dbSNP rs2474566006, ClinGen allele CA2580070823.